The following is an entry in ClinVar:

ClinVar aggregate classification (germline): Benign (0 of 4 stars; one submission).

Conditions:
LHX1-related disorder. Also called: LHX1-related condition.

Allele frequency attached by ClinVar (database versions not stated): ExAC 0.00153; gnomAD 0.00449; ESP Exome Variant Server 0.00454; 1000 Genomes Project 30x 0.00468; 1000 Genomes Project 0.00479.
gnomAD v4.1: 1,394 of 1,613,840 alleles (0.086%); highest among the groups gnomAD compares: African/African-American, 1.7%; 11 homozygotes.

Submission:

PreventionGenetics, part of Exact Sciences
Classification: Benign for LHX1-related condition. Last evaluated: 2020-01-07. Review status: no assertion criteria provided. Collection method: clinical testing. Allele origin: germline.
Comment: This variant is classified as benign based on ACMG/AMP sequence variant interpretation guidelines (Richards et al. 2015 PMID: 25741868, with internal and published modifications).

NM_005568.5(LHX1):c.416C>A (p.Pro139His)

Gene: LHX1 (LIM homeobox 1; plus strand). Cytogenetic location: 17q12.
Variant type: single nucleotide variant.
Coding change: c.416C>A on transcript NM_005568.5 (MANE Select); coding-DNA position 416, C replaced by A.
Protein change: p.Pro139His; replaces proline 139 with histidine.
Molecular consequence: missense variant.
Genome position (GRCh38, 1-based): chr17:36,940,628, C>A. VCF-style: chr17-36940628-C-A. GRCh37 (hg19) VCF-style: chr17-35297925-C-A.
Other names: short protein forms P139H.
Identifiers: ClinVar variation 3038676 (VCV003038676.2), dbSNP rs77646323, ClinGen allele CA8513686.
Genomic context (GRCh38, chr17:36,940,628, plus strand): 5'-AGGCTCGCCAAGGCCCCGGCTCATCTGTCCTTTCCCTCTTAGCCACCACGGGCAGTGACC[C>A]CAGTTTGTCTCCGGATTCCCAAGACCCGTCGCAGGACGACGCCAAGGACTCGGAGAGCGC-3'
Protein context (NP_005559.2, residues 129-149): SLHSATTGSD[Pro139His]SLSPDSQDPS